The following is an entry in ClinVar:

NM_021784.5(FOXA2):c.818C>T (p.Ala273Val)

Gene: FOXA2 (forkhead box A2; minus strand). Cytogenetic location: 20p11.21.
Variant type: single nucleotide variant.
Coding change: c.818C>T on transcript NM_021784.5 (MANE Select); coding-DNA position 818, C replaced by T.
Protein change: p.Ala273Val; replaces alanine 273 with valine.
Molecular consequence: missense variant.
Genome position (GRCh38, 1-based): chr20:22,582,424, G>A on the plus strand (C>T on the coding strand, the complement: FOXA2 is on the minus strand). VCF-style: chr20-22582424-G-A. GRCh37 (hg19) VCF-style: chr20-22563062-G-A.
Other names: c.800C>T, p.Ala267Val (NM_153675.3); short protein forms A267V, A273V.
Identifiers: ClinVar variation 4687072 (VCV004687072.1).

ClinVar aggregate classification (germline): Uncertain significance (1 of 4 stars; one submission).

Submission:

GeneDx
Classification: Uncertain significance. Last evaluated: 2025-07-24. Review status: criteria provided, single submitter. Criteria: GeneDx Variant Classification Process June 2021. Collection method: clinical testing. Allele origin: germline. Affected: yes.
Comment: Not observed at significant frequency in large population cohorts (gnomAD); In silico analysis suggests that this missense variant does not alter protein structure/function; Has not been previously published as pathogenic or benign to our knowledge